The following is an entry in ClinVar:

ClinVar aggregate classification (germline): Likely pathogenic (1 of 4 stars; one submission).

Conditions:
Trichorhinophalangeal dysplasia type I (TRPS1). Also called: TRICHORHINOPHALANGEAL SYNDROME, TYPE I; TRPS I. Identifiers: Orphanet 77258, MedGen C0432233, MONDO:0008596, OMIM 190350.

Submission:

Service de Biochimie Médicale et Biologie Moléculaire, CHU Clermont-Ferrand
Classification: Likely pathogenic for Trichorhinophalangeal dysplasia type I. Last evaluated: 2020-06-22. Review status: criteria provided, single submitter. Criteria: ACMG Guidelines, 2015. Collection method: clinical testing. Allele origin: unknown. Inheritance: Sporadic. Affected: yes. Observed: 1 heterozygote.
Comment: Deletion (11pb) ==> Frameshift in exon 4(/7)

NM_014112.5(TRPS1):c.1464_1474del (p.Ser489fs)

Gene: TRPS1 (transcriptional repressor GATA binding 1; minus strand). Cytogenetic location: 8q23.3.
Variant type: Deletion.
Coding change: c.1464_1474del on transcript NM_014112.5 (MANE Select); coding-DNA positions 1464 to 1474, 11 bases deleted (TTCCAGGGGCT).
Protein change: p.Ser489fs; shifts the reading frame from serine 489.
Molecular consequence: frameshift variant.
Genome position (GRCh38, 1-based): chr8:115,604,495-115,604,505, AGCCCCTGGAA deleted on the plus strand (TTCCAGGGGCT on the coding strand, the reverse complement: TRPS1 is on the minus strand); deleting any 11 consecutive bases within chr8:115,604,495-115,604,508 gives the same sequence; the c. name uses the placement nearest the transcript's 3' end. VCF-style (leftmost placement, unchanged base first): chr8-115604494-GAGCCCCTGGAA-G. GRCh37 (hg19) VCF-style: chr8-116616721-GAGCCCCTGGAA-G.
Other names: c.1437_1447del, p.Ser480fs (NM_001282902.3); c.1443_1453del, p.Ser482fs (NM_001282903.3); c.1425_1435del, p.Ser476fs (NM_001330599.2); short protein forms S476fs, S480fs, S482fs, S489fs.
Identifiers: ClinVar variation 972710 (VCV000972710.2), dbSNP rs1817986949, ClinGen allele CA1139660708.